The following is an entry in ClinVar:

ClinVar aggregate classification (germline): Likely benign (1 of 4 stars; one submission).

Allele frequency attached by ClinVar (database versions not stated): ESP Exome Variant Server 0.00033; TOPMed 0.00037; gnomAD 0.00040; 1000 Genomes Project 30x 0.00047; 1000 Genomes Project 0.00060.
gnomAD v4.1: 435 of 1,614,200 alleles (0.027%); highest among the groups gnomAD compares: Middle Eastern, 0.16%; no homozygotes.

Submission:

CeGaT Center for Human Genetics Tuebingen
Classification: Likely benign. Last evaluated: 2022-12-01. Review status: criteria provided, single submitter. Criteria: CeGaT Center For Human Genetics Tuebingen Variant Classification Criteria Version 2. Collection method: clinical testing. Allele origin: germline. Affected: yes. Observed: 1 variant allele.
Comment: STOX1: BP4

NM_152709.5(STOX1):c.2322G>A (p.Val774=)

Gene: STOX1 (storkhead box 1; plus strand). Cytogenetic location: 10q22.1.
Variant type: single nucleotide variant.
Coding change: c.2322G>A on transcript NM_152709.5 (MANE Select); coding-DNA position 2322, G replaced by A.
Protein change: p.Val774=; no amino-acid change (valine 774 retained).
Molecular consequence: synonymous variant. On other transcripts: intron variant (2).
Genome position (GRCh38, 1-based): chr10:68,886,118, G>A. VCF-style: chr10-68886118-G-A. GRCh37 (hg19) VCF-style: chr10-70645874-G-A.
Other names: c.2322G>A, p.Val774= (NM_001130161.4); c.663+1659G>A (NM_001130159.3); c.463+4008G>A (NM_001130160.3).
Identifiers: ClinVar variation 2640539 (VCV002640539.24), dbSNP rs117563383, ClinGen allele CA5528328.